The following is an entry in ClinVar:

NC_000003.11:g.(?_48613682)_(48613729_?)dup

Gene: COL7A1 (collagen type VII alpha 1 chain; minus strand). Cytogenetic location: 3p21.31.
Variant type: Duplication.
Identifiers: ClinVar variation 2422357 (VCV002422357.4).

ClinVar aggregate classification (germline): Uncertain significance (1 of 4 stars; one submission).

Submission:

Labcorp Genetics (formerly Invitae), Labcorp
Classification: Uncertain significance. Last evaluated: 2022-07-11. Review status: criteria provided, single submitter. Criteria: Invitae Variant Classification Sherloc (09022015). Collection method: clinical testing. Allele origin: germline.
Comment: In summary, the available evidence is currently insufficient to determine the role of this variant in disease. Therefore, it has been classified as a Variant of Uncertain Significance. Experimental studies and prediction algorithms are not available or were not evaluated, and the functional significance of this variant is currently unknown. This variant has not been reported in the literature in individuals affected with COL7A1-related conditions. This variant results in a copy number gain of the genomic region encompassing exon(s) 70 of the COL7A1 gene. While the exact position of this variant cannot be determined from the data, sub-genic copy number gains are generally in tandem (PMID: 25640679). This variant is predicted to be in-frame, and likely preserves the integrity of the reading frame.

Literature cited by the submitters: PubMed 25640679.